The following is an entry in ClinVar:

NM_000478.6(ALPL):c.903G>T (p.Arg301Ser)

Gene: ALPL (alkaline phosphatase, biomineralization associated; plus strand). Cytogenetic location: 1p36.12.
Variant type: single nucleotide variant.
Coding change: c.903G>T on transcript NM_000478.6 (MANE Select); coding-DNA position 903, G replaced by T.
Protein change: p.Arg301Ser; replaces arginine 301 with serine.
Molecular consequence: missense variant.
Genome position (GRCh38, 1-based): chr1:21,573,705, G>T. VCF-style: chr1-21573705-G-T. GRCh37 (hg19) VCF-style: chr1-21900198-G-T.
Other names: c.738G>T, p.Arg246Ser (NM_001127501.4); c.672G>T, p.Arg224Ser (NM_001177520.3); c.903G>T, p.Arg301Ser (NM_001369803.2, NM_001369804.2, NM_001369805.2); short protein forms R301S, R224S, R246S.
Identifiers: ClinVar variation 2797128 (VCV002797128.5), dbSNP rs749112407, ClinGen allele CA338880251.

ClinVar aggregate classification (germline): Uncertain significance. Review status: criteria provided, multiple submitters, no conflicts (2 of 4 stars). 3 submissions from 3 submitters: Uncertain significance (3). Last evaluated 2026-09-01.

Conditions:
Hypophosphatasia. Also called: Phosphoethanol-aminuria. Identifiers: Orphanet 436, MedGen C0020630, MeSH D007014, MONDO:0018570.

gnomAD v4.1: 7 of 1,614,034 alleles (0.00043%); highest among the groups gnomAD compares: Non-Finnish European, 0.00059%; no homozygotes.

Submissions (3):

Genomenon, Inc
Classification: Uncertain significance for Hypophosphatasia. Last evaluated: 2026-09-01. Review status: criteria provided, single submitter. Criteria: Genomenon Sequence Variant Interpretation Standards - Updated. Collection method: curation. Allele origin: germline. Affected: no.
Comment: ALPL p.Arg301Ser (c.903G>T) is a missense variant that changes the amino acid at codon 301 from Arginine to Serine. This variant has been reported in the published literature (PMID:39983296). It is absent or not present at a significant frequency in gnomAD. In silico models predict that this variant is possibly or probably damaging. In conclusion, we classify ALPL p.Arg301Ser (c.903G>T) as a variant of uncertain significance.

Myriad Genetics, Inc.
Classification: Uncertain significance for Hypophosphatasia. Last evaluated: 2026-02-13. Review status: criteria provided, single submitter. Criteria: Myriad Autosomal Dominant, Autosomal Recessive and X-Linked Classification Criteria (2023). Collection method: clinical testing. Allele origin: unknown.
Comment: NM_000478.4(ALPL):c.903G>T(R301S) is a missense variant classified as a variant of uncertain significance in the context of hypophosphatasia. R301S has been observed in a case with relevant disease (PMID: 39983296). Relevant functional assessments of this variant are not available in the literature. R301S has not been observed in referenced population frequency databases. In summary, there is insufficient evidence to classify NM_000478.4(ALPL):c.903G>T(R301S) as pathogenic or benign. Please note: this variant was assessed in the context of healthy population screening.

Labcorp Genetics (formerly Invitae), Labcorp
Classification: Uncertain significance. Last evaluated: 2022-11-10. Review status: criteria provided, single submitter. Criteria: Invitae Variant Classification Sherloc (09022015). Collection method: clinical testing. Allele origin: germline.
Comment: In summary, the available evidence is currently insufficient to determine the role of this variant in disease. Therefore, it has been classified as a Variant of Uncertain Significance. Advanced modeling of protein sequence and biophysical properties (such as structural, functional, and spatial information, amino acid conservation, physicochemical variation, residue mobility, and thermodynamic stability) performed at Invitae indicates that this missense variant is expected to disrupt ALPL protein function. This variant has not been reported in the literature in individuals affected with ALPL-related conditions. This variant is not present in population databases (gnomAD no frequency). This sequence change replaces arginine, which is basic and polar, with serine, which is neutral and polar, at codon 301 of the ALPL protein (p.Arg301Ser).

Literature cited by the submitters: PubMed 39983296 (cited by Genomenon, Inc and Myriad Genetics, Inc.).